The following is an entry in ClinVar:

ClinVar aggregate classification (germline): Uncertain significance (1 of 4 stars; one submission).

Conditions:
Developmental and epileptic encephalopathy, 12 (DEE12). Identifiers: MedGen C3150988, MONDO:0013389, OMIM 613722.

gnomAD v4.1: 1 of 1,614,228 alleles (0.000062%); highest among the groups gnomAD compares: Admixed American, 0.0017%; no homozygotes.

Submission:

Labcorp Genetics (formerly Invitae), Labcorp
Classification: Uncertain significance for Developmental and epileptic encephalopathy, 12. Last evaluated: 2022-10-03. Review status: criteria provided, single submitter. Criteria: Invitae Variant Classification Sherloc (09022015). Collection method: clinical testing. Allele origin: germline.
Comment: This sequence change replaces proline, which is neutral and non-polar, with histidine, which is basic and polar, at codon 123 of the PNKP protein (p.Pro123His). This variant is present in population databases (no rsID available, gnomAD 0.003%). This variant has not been reported in the literature in individuals affected with PNKP-related conditions. Advanced modeling of protein sequence and biophysical properties (such as structural, functional, and spatial information, amino acid conservation, physicochemical variation, residue mobility, and thermodynamic stability) performed at Invitae indicates that this missense variant is not expected to disrupt PNKP protein function. In summary, the available evidence is currently insufficient to determine the role of this variant in disease. Therefore, it has been classified as a Variant of Uncertain Significance.

NM_007254.4(PNKP):c.368C>A (p.Pro123His)

Gene: PNKP (polynucleotide kinase 3'-phosphatase; minus strand). Cytogenetic location: 19q13.33.
Variant type: single nucleotide variant.
Coding change: c.368C>A on transcript NM_007254.4 (MANE Select); coding-DNA position 368, C replaced by A.
Protein change: p.Pro123His; replaces proline 123 with histidine.
Molecular consequence: missense variant.
Genome position (GRCh38, 1-based): chr19:49,865,257, G>T on the plus strand (C>A on the coding strand, the complement: PNKP is on the minus strand). VCF-style: chr19-49865257-G-T. GRCh37 (hg19) VCF-style: chr19-50368514-G-T.
Other names: short protein forms P123H.
Identifiers: ClinVar variation 2140535 (VCV002140535.1), dbSNP rs1246883829, ClinGen allele CA406889864.